The following is an entry in ClinVar:

NM_001572.5(IRF7):c.869A>G (p.Asp290Gly)

Gene: IRF7 (interferon regulatory factor 7; minus strand). Cytogenetic location: 11p15.5.
Variant type: single nucleotide variant.
Coding change: c.869A>G on transcript NM_001572.5 (MANE Select); coding-DNA position 869, A replaced by G.
Protein change: p.Asp290Gly; replaces aspartic acid 290 with glycine.
Molecular consequence: missense variant.
Genome position (GRCh38, 1-based): chr11:613,574, T>C on the plus strand (A>G on the coding strand, the complement: IRF7 is on the minus strand). VCF-style: chr11-613574-T-C. GRCh37 (hg19) VCF-style: chr11-613574-T-C.
Other names: c.782A>G, p.Asp261Gly (NM_004029.4); c.908A>G, p.Asp303Gly (NM_004031.4); c.869A>G, p.Asp290Gly (LRG_1313t1); short protein forms D290G, D303G, D261G.
Identifiers: ClinVar variation 542692 (VCV000542692.12), dbSNP rs368953537, ClinGen allele CA5783645.

ClinVar aggregate classification (germline): Uncertain significance. Review status: criteria provided, multiple submitters, no conflicts (2 of 4 stars). 4 submissions from 4 submitters: Uncertain significance (4). Last evaluated 2026-01-14.

Conditions:
IRF7-related disorder. Also called: IRF7-related condition.
Immunodeficiency 39 (IMD39). Identifiers: Orphanet 574918, MedGen C4225358, MONDO:0014597, OMIM 616345.

Allele frequency attached by ClinVar (database versions not stated): 1000 Genomes Project 30x 0.00016; ESP Exome Variant Server 0.00016; gnomAD exomes 0.00018; ExAC 0.00019; TOPMed 0.00032; gnomAD 0.00036.
gnomAD v4.1: 838 of 1,567,814 alleles (0.053%); highest among the groups gnomAD compares: Non-Finnish European, 0.069%; no homozygotes.

Submissions (4):

Labcorp Genetics (formerly Invitae), Labcorp
Classification: Uncertain significance for Immunodeficiency 39. Last evaluated: 2026-01-14. Review status: criteria provided, single submitter. Criteria: Invitae Variant Classification Sherloc (09022015). Collection method: clinical testing. Allele origin: germline.
Comment: This sequence change replaces aspartic acid, which is acidic and polar, with glycine, which is neutral and non-polar, at codon 303 of the IRF7 protein (p.Asp303Gly). This variant is present in population databases (rs368953537, gnomAD 0.04%). This variant has not been reported in the literature in individuals affected with IRF7-related conditions. ClinVar contains an entry for this variant (Variation ID: 542692). Invitae Evidence Modeling of protein sequence and biophysical properties (such as structural, functional, and spatial information, amino acid conservation, physicochemical variation, residue mobility, and thermodynamic stability) indicates that this missense variant is not expected to disrupt IRF7 protein function with a negative predictive value of 80%. In summary, the available evidence is currently insufficient to determine the role of this variant in disease. Therefore, it has been classified as a Variant of Uncertain Significance.

PreventionGenetics, part of Exact Sciences
Classification: Uncertain significance for IRF7-related condition. Last evaluated: 2025-01-22. Review status: criteria provided, single submitter. Criteria: ACMG Guidelines, 2015. Collection method: clinical testing. Allele origin: germline.
Comment: The IRF7 c.908A>G variant is predicted to result in the amino acid substitution p.Asp303Gly. To our knowledge, this variant has not been reported in the literature. This variant is reported in 0.037% of alleles in individuals of European (Non-Finnish) descent in gnomAD. At this time, the clinical significance of this variant is uncertain due to the absence of conclusive functional and genetic evidence.

Blueprint Genetics
Classification: Uncertain significance. Last evaluated: 2024-10-23. Review status: criteria provided, single submitter. Criteria: ACMG Guidelines, 2015. Collection method: clinical testing. Allele origin: germline.

Baylor Genetics
Classification: Uncertain significance for Immunodeficiency 39. Last evaluated: 2019-12-13. Review status: criteria provided, single submitter. Criteria: ACMG Guidelines, 2015. Collection method: clinical testing. Allele origin: unknown. Affected: yes.
Comment: This variant was determined to be of uncertain significance according to ACMG Guidelines, 2015 [PMID:25741868].